The following is an entry in ClinVar:

ClinVar aggregate classification (germline): Likely benign (1 of 4 stars; one submission).

Allele frequency attached by ClinVar (database versions not stated): gnomAD 0.00907 and 0.00985; 1000 Genomes Project 0.00978; 1000 Genomes Project 30x 0.00999; TOPMed 0.01048.
gnomAD v4.1: 1,367 of 152,208 alleles (0.9%); highest among the groups gnomAD compares: African/African-American, 3.1%; 20 homozygotes.

Submission:

GeneDx
Classification: Likely benign. Last evaluated: 2018-06-16. Review status: criteria provided, single submitter. Criteria: GeneDx Variant Classification (06012015). Collection method: clinical testing. Allele origin: germline. Affected: yes.
Comment: This variant is considered likely benign or benign based on one or more of the following criteria: it is a conservative change, it occurs at a poorly conserved position in the protein, it is predicted to be benign by multiple in silico algorithms, and/or has population frequency not consistent with disease.

NM_020297.4(ABCC9):c.4023+327A>G

Genes: ABCC9 (ATP binding cassette subfamily C member 9; minus strand), KCNJ8-AS1 (KCNJ8 antisense RNA 1; plus strand). Cytogenetic location: 12p12.1.
Variant type: single nucleotide variant.
Coding change: c.4023+327A>G on transcript NM_020297.4 (MANE Select); 327 bases into the intron after coding-DNA position 4023, A replaced by G.
Molecular consequence: intron variant.
Genome position (GRCh38, 1-based): chr12:21,815,436, T>C on the plus strand (A>G on the coding strand, the complement: ABCC9 is on the minus strand). VCF-style: chr12-21815436-T-C. GRCh37 (hg19) VCF-style: chr12-21968370-T-C.
Other names: c.3156+327A>G (NM_001377274.1); c.4023+327A>G (NM_005691.4, NM_001377273.1).
Identifiers: ClinVar variation 671342 (VCV000671342.1), dbSNP rs78341098, ClinGen allele CA233614670.